The following is an entry in ClinVar:

NM_000179.3(MSH6):c.4001+10dup

Gene: MSH6 (mutS homolog 6; plus strand). Cytogenetic location: 2p16.3.
Variant type: Duplication.
Coding change: c.4001+10dup on transcript NM_000179.3 (MANE Select); 10 bases into the intron after coding-DNA position 4001, one base duplicated (T; older notation c.4001+10dupT).
Molecular consequence: intron variant.
Genome position (GRCh38, 1-based): chr2:47,806,661, T duplicated. VCF-style (leftmost placement, unchanged base first): chr2-47806660-C-CT. GRCh37 (hg19) VCF-style: chr2-48033799-C-CT.
Other names: c.4001+10dupT (NM_000179.2); c.3095+10dup (NM_001281493.2, NM_001281494.2); c.3611+10dup (NM_001281492.2).
Identifiers: ClinVar variation 183081 (VCV000183081.26), dbSNP rs730882138, ClinGen allele CA015192.
Genomic context (GRCh38, chr2:47,806,660, plus strand): 5'-ATAGAAAAGCAAGAGAATTTGAGAAGATGAATCAGTCACTACGATTATTTCGGTAACTAA[C>CT]TAACTATAATGGAATTATAACTAACTGACCTTAAGTTTCAAAGAAACAGTAAAAGGGGAA-3'

ClinVar aggregate classification (germline): Benign/Likely benign. Review status: criteria provided, multiple submitters, no conflicts (2 of 4 stars). 10 submissions from 10 submitters: Benign (2); Likely benign (6). 2 of the submissions do not count toward it. Last evaluated 2026-02-01.

Conditions:
Hereditary nonpolyposis colorectal neoplasms. Identifiers: MedGen C0009405, MeSH D003123.
Breast and/or ovarian cancer. Identifiers: MedGen CN221562.
Hereditary cancer-predisposing syndrome. Also called: Tumor predisposition; Neoplastic Syndromes, Hereditary; Hereditary neoplastic syndrome; Hereditary Cancer Syndrome. Identifiers: Orphanet 140162, MedGen C0027672, MeSH D009386, MONDO:0015356.
Endometrial carcinoma. Also called: Endometrial carcinoma, somatic. Identifiers: MedGen C0476089, MONDO:0002447, OMIM 608089, HP:0012114.
Lynch syndrome 5 (LYNCH5). Also called: Colorectal cancer, hereditary nonpolyposis, type 5; Hereditary non-polyposis colorectal cancer, type 5. Identifiers: Orphanet 144, MedGen C1833477, MONDO:0013710, OMIM 614350. Disease mechanism: loss of function.

Allele frequency attached by ClinVar (database versions not stated): gnomAD 0.00003 and 0.00004; gnomAD exomes 0.00003; ExAC 0.00004; TOPMed 0.00006.

Submissions (10):

Labcorp Genetics (formerly Invitae), Labcorp
Classification: Likely benign for Hereditary nonpolyposis colorectal neoplasms. Last evaluated: 2026-02-01. Review status: criteria provided, single submitter. Criteria: Invitae Variant Classification Sherloc (09022015). Collection method: clinical testing. Allele origin: germline.

Myriad Genetics, Inc.
Classification: Benign for Lynch syndrome 5. Last evaluated: 2025-01-09. Review status: criteria provided, single submitter. Criteria: Myriad Autosomal Dominant, Autosomal Recessive and X-Linked Classification Criteria (2023). Collection method: clinical testing. Allele origin: unknown.
Comment: This variant is considered benign. This variant is intronic and is not expected to impact mRNA splicing.

Blueprint Genetics
Classification: Likely benign. Last evaluated: 2022-07-14. Review status: criteria provided, single submitter. Criteria: ACMG Guidelines, 2015. Collection method: clinical testing. Allele origin: germline.

CHEO Genetics Diagnostic Laboratory, Children's Hospital of Eastern Ontario
Classification: Likely benign for Breast and/or ovarian cancer. Last evaluated: 2020-03-25. Review status: criteria provided, single submitter. Criteria: ACMG Guidelines, 2015. Collection method: clinical testing. Allele origin: germline.

Quest Diagnostics Nichols Institute San Juan Capistrano
Classification: Likely benign. Last evaluated: 2017-07-26. Review status: criteria provided, single submitter. Criteria: Quest Diagnostics criteria. Collection method: clinical testing. Allele origin: germline.

Genetic Services Laboratory, University of Chicago
Classification: Likely benign. Last evaluated: 2017-04-12. Review status: criteria provided, single submitter. Criteria: ACMG Guidelines, 2015. Collection method: clinical testing. Allele origin: germline. Affected: no.

GeneDx
Classification: Benign. Last evaluated: 2015-03-03. Review status: criteria provided, single submitter. Criteria: GeneDx Variant Classification Process June 2021. Collection method: clinical testing. Allele origin: germline. Affected: yes.

Color Diagnostics, LLC DBA Color Health
Classification: Likely benign for Hereditary cancer-predisposing syndrome. Last evaluated: 2015-02-23. Review status: criteria provided, single submitter. Criteria: ACMG Guidelines, 2015. Collection method: clinical testing. Allele origin: germline.

Counsyl
Classification: Likely benign for Lynch syndrome 5. Last evaluated: 2016-10-31. Review status: no assertion criteria provided. Collection method: clinical testing. Allele origin: unknown. Not counted in ClinVar's aggregate classification.

Department of Pathology and Laboratory Medicine, Sinai Health System
Classification: Likely benign for Endometrial carcinoma. Review status: no assertion criteria provided. Collection method: clinical testing. Allele origin: unknown. Affected: yes. Observed: 1 variant allele. Study: The Canadian Open Genetics Repository (COGR). Not counted in ClinVar's aggregate classification.
Comment: The MSH6 c.4001+10dupT variant was not identified in the literature nor was it identified in the following databases: COGR, Cosmic, MutDB, UMD-LSDB, Zhejiang University Database, Mismatch Repair Genes Variant Database, or Insight Hereditary Tumors Database. The variant was identified in dbSNP (ID: rs757066722 â€šÃ„ÃºWith Likely benign alleleâ€šÃ„Ã¹) and ClinVar (classified likely benign by Invitae, Counsyl, Genetic Services Laboratory at the University of Chicago and Color Genomics Inc.). The variant was not identified in the following control databases: the 1000 Genomes Project, the NHLBI GO Exome Sequencing Project, the Exome Aggregation Consortium (August 8th 2016), or the Genome Aggregation Database (Feb 27, 2017). The variant occurs outside of the splicing consensus sequence and 4 of 4 in silico or computational prediction software programs (SpliceSiteFinder, MaxEntScan, NNSPLICE, GeneSplicer) do not predict a difference in splicing. In summary, based on the above information the clinical significance of this variant cannot be determined with certainty at this time although we would lean towards a more benign role for this variant. This variant is classified as likely benign.